The following is an entry in ClinVar:

NM_018297.4(NGLY1):c.829G>C (p.Glu277Gln)

Gene: NGLY1 (N-glycanase 1; minus strand). Cytogenetic location: 3p24.2.
Variant type: single nucleotide variant.
Coding change: c.829G>C on transcript NM_018297.4 (MANE Select); coding-DNA position 829, G replaced by C.
Protein change: p.Glu277Gln; replaces glutamic acid 277 with glutamine.
Molecular consequence: missense variant.
Genome position (GRCh38, 1-based): chr3:25,739,629, C>G on the plus strand (G>C on the coding strand, the complement: NGLY1 is on the minus strand). VCF-style: chr3-25739629-C-G. GRCh37 (hg19) VCF-style: chr3-25781120-C-G.
Other names: c.829G>C, p.Glu277Gln (NM_001145293.2, NM_001145295.2); c.703G>C, p.Glu235Gln (NM_001145294.2); short protein forms E235Q, E277Q.
Identifiers: ClinVar variation 944339 (VCV000944339.6), dbSNP rs948858807, ClinGen allele CA71656793.

ClinVar aggregate classification (germline): Uncertain significance (1 of 4 stars; one submission).

Conditions:
Congenital disorder of deglycosylation (CDDG). Identifiers: MedGen C3808991, MONDO:0031376.

Allele frequency attached by ClinVar (database versions not stated): gnomAD 0.00003 and 0.00004; TOPMed 0.00003.
gnomAD v4.1: 5 of 1,614,010 alleles (0.00031%); highest among the groups gnomAD compares: African/African-American, 0.0067%; no homozygotes.

Submission:

Labcorp Genetics (formerly Invitae), Labcorp
Classification: Uncertain significance for Congenital disorder of deglycosylation. Last evaluated: 2022-11-01. Review status: criteria provided, single submitter. Criteria: Invitae Variant Classification Sherloc (09022015). Collection method: clinical testing. Allele origin: germline.
Comment: This variant is present in population databases (no rsID available, gnomAD 0.01%). In summary, the available evidence is currently insufficient to determine the role of this variant in disease. Therefore, it has been classified as a Variant of Uncertain Significance. Advanced modeling of protein sequence and biophysical properties (such as structural, functional, and spatial information, amino acid conservation, physicochemical variation, residue mobility, and thermodynamic stability) performed at Invitae indicates that this missense variant is not expected to disrupt NGLY1 protein function. ClinVar contains an entry for this variant (Variation ID: 944339). This variant has not been reported in the literature in individuals affected with NGLY1-related conditions. This sequence change replaces glutamic acid, which is acidic and polar, with glutamine, which is neutral and polar, at codon 277 of the NGLY1 protein (p.Glu277Gln).